The following is an entry in ClinVar:

NM_000057.4(BLM):c.2584C>G (p.Leu862Val)

Gene: BLM (BLM RecQ like helicase; plus strand). Cytogenetic location: 15q26.1.
Variant type: single nucleotide variant.
Coding change: c.2584C>G on transcript NM_000057.4 (MANE Select); coding-DNA position 2584, C replaced by G.
Protein change: p.Leu862Val; replaces leucine 862 with valine.
Molecular consequence: missense variant.
Genome position (GRCh38, 1-based): chr15:90,782,850, C>G. VCF-style: chr15-90782850-C-G. GRCh37 (hg19) VCF-style: chr15-91326080-C-G.
Other names: c.2584C>G, p.Leu862Val (NM_001287246.2, NM_001287247.2); c.1459C>G, p.Leu487Val (NM_001287248.2); c.2584C>G (NM_000057.2); short protein forms L487V, L862V.
Identifiers: ClinVar variation 1015892 (VCV001015892.14), dbSNP rs1596250300, ClinGen allele CA393845650.

ClinVar aggregate classification (germline): Uncertain significance. Review status: criteria provided, multiple submitters, no conflicts (2 of 4 stars). 3 submissions from 3 submitters: Uncertain significance (2). 1 of the submissions does not count toward it. Last evaluated 2025-10-29.

Conditions:
Hereditary cancer-predisposing syndrome. Also called: Hereditary Cancer Syndrome; Tumor predisposition; Neoplastic Syndromes, Hereditary; Hereditary neoplastic syndrome. Identifiers: Orphanet 140162, MedGen C0027672, MeSH D009386, MONDO:0015356.
Bloom syndrome (BLM). Also called: Bloom-Torre-Machacek syndrome. Identifiers: Orphanet 125, MedGen C0005859, MONDO:0008876, OMIM 210900.

Allele frequency attached by ClinVar (database versions not stated): gnomAD exomes below 0.00001.
gnomAD v4.1: 6 of 1,613,392 alleles (0.00037%); highest among the groups gnomAD compares: East Asian, 0.013%; no homozygotes.

Submissions (3):

Labcorp Genetics (formerly Invitae), Labcorp
Classification: Uncertain significance for Bloom syndrome. Last evaluated: 2025-10-29. Review status: criteria provided, single submitter. Criteria: Invitae Variant Classification Sherloc (09022015). Collection method: clinical testing. Allele origin: germline.
Comment: This sequence change replaces leucine, which is neutral and non-polar, with valine, which is neutral and non-polar, at codon 862 of the BLM protein (p.Leu862Val). This variant is not present in population databases (gnomAD no frequency). This variant has not been reported in the literature in individuals affected with BLM-related conditions. ClinVar contains an entry for this variant (Variation ID: 1015892). Invitae Evidence Modeling of protein sequence and biophysical properties (such as structural, functional, and spatial information, amino acid conservation, physicochemical variation, residue mobility, and thermodynamic stability) indicates that this missense variant is expected to disrupt BLM protein function with a positive predictive value of 80%. In summary, the available evidence is currently insufficient to determine the role of this variant in disease. Therefore, it has been classified as a Variant of Uncertain Significance.

Ambry Genetics
Classification: Uncertain significance for Hereditary cancer-predisposing syndrome. Last evaluated: 2024-03-15. Review status: criteria provided, single submitter. Criteria: Ambry Variant Classification Scheme 2023. Collection method: clinical testing. Allele origin: germline.
Comment: The p.L862V variant (also known as c.2584C>G), located in coding exon 12 of the BLM gene, results from a C to G substitution at nucleotide position 2584. The leucine at codon 862 is replaced by valine, an amino acid with highly similar properties. This amino acid position is conserved. In addition, the in silico prediction for this alteration is inconclusive. Since supporting evidence is limited at this time, the clinical significance of this alteration remains unclear.

Natera, Inc.
Classification: Uncertain significance for Bloom syndrome. Last evaluated: 2021-05-27. Review status: no assertion criteria provided. Collection method: clinical testing. Allele origin: germline. Not counted in ClinVar's aggregate classification.